The following is an entry in ClinVar:

ClinVar aggregate classification (germline): Uncertain significance. Review status: criteria provided, multiple submitters, no conflicts (2 of 4 stars). 5 submissions from 5 submitters: Uncertain significance (5). Last evaluated 2025-03-04.

Conditions:
Familial hemophagocytic lymphohistiocytosis 3 (FHL3). Also called: UNC13D-Related Familial Hemophagocytic Lymphohistiocytosis (UNC13D-fHLH). Identifiers: Orphanet 540, MedGen C1837174, MONDO:0012146, OMIM 608898.

Allele frequency attached by ClinVar (database versions not stated): TOPMed 0.00005; gnomAD 0.00007; ESP Exome Variant Server 0.00008; gnomAD exomes 0.00014; ExAC 0.00026.
gnomAD v4.1: 310 of 1,613,878 alleles (0.019%); highest among the groups gnomAD compares: Non-Finnish European, 0.024%; no homozygotes.

Submissions (5):

Center for Genomic Medicine, Rigshospitalet, Copenhagen University Hospital
Classification: Uncertain significance. Last evaluated: 2025-03-04. Review status: criteria provided, single submitter. Criteria: ACMG Guidelines, 2015. Collection method: clinical testing. Allele origin: germline.

Labcorp Genetics (formerly Invitae), Labcorp
Classification: Uncertain significance for Familial hemophagocytic lymphohistiocytosis 3. Last evaluated: 2024-10-14. Review status: criteria provided, single submitter. Criteria: Invitae Variant Classification Sherloc (09022015). Collection method: clinical testing. Allele origin: germline.
Comment: This sequence change replaces proline, which is neutral and non-polar, with arginine, which is basic and polar, at codon 265 of the UNC13D protein (p.Pro265Arg). This variant is present in population databases (rs200265541, gnomAD 0.03%). This variant has not been reported in the literature in individuals affected with UNC13D-related conditions. ClinVar contains an entry for this variant (Variation ID: 891776). Invitae Evidence Modeling of protein sequence and biophysical properties (such as structural, functional, and spatial information, amino acid conservation, physicochemical variation, residue mobility, and thermodynamic stability) indicates that this missense variant is expected to disrupt UNC13D protein function with a positive predictive value of 80%. In summary, the available evidence is currently insufficient to determine the role of this variant in disease. Therefore, it has been classified as a Variant of Uncertain Significance.

Mayo Clinic Laboratories, Mayo Clinic
Classification: Uncertain significance. Last evaluated: 2024-05-29. Review status: criteria provided, single submitter. Criteria: ACMG Guidelines, 2015. Collection method: clinical testing. Allele origin: germline. Observed: 1 variant allele.

GeneDx
Classification: Uncertain significance. Last evaluated: 2024-01-18. Review status: criteria provided, single submitter. Criteria: GeneDx Variant Classification Process June 2021. Collection method: clinical testing. Allele origin: germline. Affected: yes.
Comment: Identified in a patient with a suspected inherited bleeding disorder in published literature, although a second UNC13D variant was not reported (PMID: 32100410); In silico analysis supports that this missense variant has a deleterious effect on protein structure/function; This variant is associated with the following publications: (PMID: 32100410)

Illumina Laboratory Services, Illumina
Classification: Uncertain significance for Familial hemophagocytic lymphohistiocytosis 3. Last evaluated: 2018-01-13. Review status: criteria provided, single submitter. Criteria: ICSL Variant Classification Criteria 13 December 2019. Collection method: clinical testing. Allele origin: germline.

Literature cited by the submitters: PubMed 32100410 (cited by Mayo Clinic Laboratories, Mayo Clinic).

NM_199242.3(UNC13D):c.794C>G (p.Pro265Arg)

Gene: UNC13D (unc-13 homolog D; minus strand). Cytogenetic location: 17q25.1.
Variant type: single nucleotide variant.
Coding change: c.794C>G on transcript NM_199242.3 (MANE Select); coding-DNA position 794, C replaced by G.
Protein change: p.Pro265Arg; replaces proline 265 with arginine.
Molecular consequence: missense variant.
Genome position (GRCh38, 1-based): chr17:75,840,289, G>C on the plus strand (C>G on the coding strand, the complement: UNC13D is on the minus strand). VCF-style: chr17-75840289-G-C. GRCh37 (hg19) VCF-style: chr17-73836370-G-C.
Other names: p.Pro265Arg; short protein forms P265R.
Identifiers: ClinVar variation 891776 (VCV000891776.13), dbSNP rs200265541, ClinGen allele CA8773275.